The following is an entry in ClinVar:

NM_021224.6(ZNF462):c.2695G>A (p.Glu899Lys)

Gene: ZNF462 (zinc finger protein 462; plus strand). Cytogenetic location: 9q31.2.
Variant type: single nucleotide variant.
Coding change: c.2695G>A on transcript NM_021224.6 (MANE Select); coding-DNA position 2695, G replaced by A.
Protein change: p.Glu899Lys; replaces glutamic acid 899 with lysine.
Molecular consequence: missense variant.
Genome position (GRCh38, 1-based): chr9:106,926,607, G>A. VCF-style: chr9-106926607-G-A. GRCh37 (hg19) VCF-style: chr9-109688888-G-A.
Other names: c.2695G>A, p.Glu899Lys (NM_001347997.2); c.2695G>A (NM_021224.4); short protein forms E899K.
Identifiers: ClinVar variation 3768343 (VCV003768343.2).

ClinVar aggregate classification (germline): Uncertain significance. Review status: criteria provided, multiple submitters, no conflicts (2 of 4 stars). 2 submissions from 2 submitters: Uncertain significance (2). Last evaluated 2025-08-23.

Conditions:
Inborn genetic diseases. Identifiers: MedGen C0950123, MeSH D030342.

gnomAD v4.1: 7 of 1,613,894 alleles (0.00043%); highest among the groups gnomAD compares: Admixed American, 0.005%; no homozygotes.

Submissions (2):

Ambry Genetics
Classification: Uncertain significance for Inborn genetic diseases. Last evaluated: 2025-08-23. Review status: criteria provided, single submitter. Criteria: Ambry Variant Classification Scheme 2023. Collection method: clinical testing. Allele origin: germline.

Women's Health and Genetics/Laboratory Corporation of America, LabCorp
Classification: Uncertain significance. Last evaluated: 2024-12-02. Review status: criteria provided, single submitter. Criteria: LabCorp Variant Classification Summary - May 2015. Collection method: clinical testing. Allele origin: germline.
Comment: Variant summary: ZNF462 c.2695G>A (p.Glu899Lys) results in a conservative amino acid change located in the Zinc finger domain (IPR013087) of the encoded protein sequence. Three of five in-silico tools predict a benign effect of the variant on protein function. The variant allele was found at a frequency of 1.2e-05 in 251444 control chromosomes. The available data on variant occurrences in the general population are insufficient to allow any conclusion about variant significance. To our knowledge, no occurrence of c.2695G>A in individuals affected with Weiss-Kruszka Syndrome and no experimental evidence demonstrating its impact on protein function have been reported. No submitters have cited clinical-significance assessments for this variant to ClinVar. Based on the evidence outlined above, the variant was classified as uncertain significance.